The following is an entry in ClinVar:

NM_002234.4(KCNA5):c.1148_1149inv (p.Gly383Asp)

Gene: KCNA5 (potassium voltage-gated channel subfamily A member 5; plus strand). Cytogenetic location: 12p13.32.
Variant type: Inversion.
Coding change: c.1148_1149inv on transcript NM_002234.4 (MANE Select).
Protein change: p.Gly383Asp; replaces glycine 383 with aspartic acid.
Molecular consequence: missense variant.
Genome position: GRCh38 VCF-style: chr12-5045295-GT-AC. GRCh37 (hg19) VCF-style: chr12-5154461-GT-AC.
Other names: short protein forms G383D.
Identifiers: ClinVar variation 1036384 (VCV001036384.7), ClinGen allele CA2499221725.

ClinVar aggregate classification (germline): Uncertain significance (1 of 4 stars; one submission).

Conditions:
Atrial fibrillation, familial, 7 (ATFB7). Identifiers: MedGen C2677106, MONDO:0012828, OMIM 612240.

Submission:

Labcorp Genetics (formerly Invitae), Labcorp
Classification: Uncertain significance for Atrial fibrillation, familial, 7. Last evaluated: 2023-07-28. Review status: criteria provided, single submitter. Criteria: Invitae Variant Classification Sherloc (09022015). Collection method: clinical testing. Allele origin: germline.
Comment: This sequence change replaces glycine, which is neutral and non-polar, with aspartic acid, which is acidic and polar, at codon 383 of the KCNA5 protein (p.Gly383Asp). The frequency data for this variant in the population databases is considered unreliable, as metrics indicate poor data quality at this position in the gnomAD database. This variant has not been reported in the literature in individuals affected with KCNA5-related conditions. ClinVar contains an entry for this variant (Variation ID: 1036384). An algorithm developed to predict the effect of missense changes on protein structure and function (PolyPhen-2) suggests that this variant is likely to be disruptive. In summary, the available evidence is currently insufficient to determine the role of this variant in disease. Therefore, it has been classified as a Variant of Uncertain Significance.